The following is an entry in ClinVar:

NM_002087.4(GRN):c.708C>T (p.Asn236=)

Genes: GRN (granulin precursor; plus strand), LOC125177489 (Sharpr-MPRA regulatory region 15390; plus strand). Cytogenetic location: 17q21.31.
Variant type: single nucleotide variant.
Coding change: c.708C>T on transcript NM_002087.4 (MANE Select); coding-DNA position 708, C replaced by T.
Protein change: p.Asn236=; no amino-acid change (asparagine 236 retained).
Molecular consequence: synonymous variant.
Genome position (GRCh38, 1-based): chr17:44,350,800, C>T. VCF-style: chr17-44350800-C-T. GRCh37 (hg19) VCF-style: chr17-42428168-C-T.
Other names: c.708C>T (NM_002087.3).
Identifiers: ClinVar variation 98148 (VCV000098148.8), dbSNP rs63750744, ClinGen allele CA225266.
Genomic context (GRCh38, chr17:44,350,800, plus strand): 5'-TGATGGTTCTACCTGCTGTGAGCTGCCCAGTGGGAAGTATGGCTGCTGCCCAATGCCCAA[C>T]GTGAGTGAGGGGCTGGAGCCAGCTTGGCTGTGTGCCCCCAGCCACCTGGCCCTGACACGC-3'
Protein context (NP_002078.1, residues 226-246): SGKYGCCPMP[Asn236=]ATCCSDHLHC

ClinVar aggregate classification (germline): Likely benign. Review status: criteria provided, multiple submitters, no conflicts (2 of 4 stars). 4 submissions from 4 submitters: Likely benign (3). 1 of the submissions does not count toward it. Last evaluated 2026-07-14.

Conditions:
GRN-related disorder. Also called: GRN-related condition; GRN-related disorders.
GRN-related frontotemporal lobar degeneration with Tdp43 inclusions (FTD2). Also called: DEMENTIA, HEREDITARY DYSPHASIC DISINHIBITION; FRONTOTEMPORAL LOBAR DEGENERATION WITH UBIQUITIN-POSITIVE INCLUSIONS; FTLD-TDP, GRN-RELATED; FRONTOTEMPORAL DEMENTIA WITH TDP43 INCLUSIONS, GRN-RELATED; GRN Frontotemporal Dementia. Identifiers: Orphanet 100070, Orphanet 282, MedGen C1843792, MONDO:0011842, OMIM 607485. Disease mechanism: loss of function.
Neuronal ceroid lipofuscinosis 11. Also called: GRN-Related Neuronal Ceroid-Lipofuscinosis. Identifiers: Orphanet 314629, Orphanet 79262, MedGen C3539123, MONDO:0013866, OMIM 614706.

Allele frequency attached by ClinVar (database versions not stated): gnomAD 0.00001.
gnomAD v4.1: 21 of 1,605,932 alleles (0.0013%); highest among the groups gnomAD compares: East Asian, 0.016%; no homozygotes.

Submissions (4):

PreventionGenetics, part of Exact Sciences
Classification: Likely benign for GRN-related condition. Last evaluated: 2026-07-14. Review status: criteria provided, single submitter. Criteria: ACMG Guidelines, 2015. Collection method: clinical testing. Allele origin: germline.
Comment: This variant is classified as likely benign based on ACMG/AMP sequence variant interpretation guidelines (Richards et al. 2015 PMID: 25741868, with internal and published modifications).

Labcorp Genetics (formerly Invitae), Labcorp
Classification: Likely benign for Neuronal ceroid lipofuscinosis 11; GRN-related frontotemporal lobar degeneration with Tdp43 inclusions. Last evaluated: 2025-09-23. Review status: criteria provided, single submitter. Criteria: Invitae Variant Classification Sherloc (09022015). Collection method: clinical testing. Allele origin: germline.

Blueprint Genetics
Classification: Likely benign. Last evaluated: 2024-09-20. Review status: criteria provided, single submitter. Criteria: ACMG Guidelines, 2015. Collection method: clinical testing. Allele origin: germline.

VIB  Department of Molecular Genetics, University of Antwerp
No classification provided. Review status: no classification provided. Collection method: not provided. Allele origin: unknown. Not counted in ClinVar's aggregate classification.